The following is an entry in ClinVar:

ClinVar aggregate classification (germline): Uncertain significance (1 of 4 stars; one submission).

Conditions:
Catecholaminergic polymorphic ventricular tachycardia 1. Also called: VENTRICULAR TACHYCARDIA, STRESS-INDUCED POLYMORPHIC 1; VENTRICULAR TACHYCARDIA, CATECHOLAMINERGIC POLYMORPHIC, 1, WITH OR WITHOUT ATRIAL DYSFUNCTION AND/OR DILATED CARDIOMYOPATHY; RYR2-Related Catecholaminergic Polymorphic Ventricular Tachycardia. Identifiers: Orphanet 3286, MedGen C1631597, MONDO:0011484, OMIM 604772.

Submission:

Labcorp Genetics (formerly Invitae), Labcorp
Classification: Uncertain significance for Catecholaminergic polymorphic ventricular tachycardia 1. Last evaluated: 2025-12-22. Review status: criteria provided, single submitter. Criteria: Invitae Variant Classification Sherloc (09022015). Collection method: clinical testing. Allele origin: germline.
Comment: This sequence change replaces glutamine, which is neutral and polar, with lysine, which is basic and polar, at codon 92 of the RYR2 protein (p.Gln92Lys). This variant is not present in population databases (gnomAD no frequency). This variant has not been reported in the literature in individuals affected with RYR2-related conditions. ClinVar contains an entry for this variant (Variation ID: 3699311). An algorithm developed to predict the effect of missense changes on protein structure and function outputs the following: PolyPhen-2: "Benign". The lysine amino acid residue is found in multiple mammalian species, which suggests that this missense change does not adversely affect protein function. In summary, the available evidence is currently insufficient to determine the role of this variant in disease. Therefore, it has been classified as a Variant of Uncertain Significance.

NM_001035.3(RYR2):c.274C>A (p.Gln92Lys)

Gene: RYR2 (ryanodine receptor 2; plus strand). Cytogenetic location: 1q43.
Variant type: single nucleotide variant.
Coding change: c.274C>A on transcript NM_001035.3 (MANE Select); coding-DNA position 274, C replaced by A.
Protein change: p.Gln92Lys; replaces glutamine 92 with lysine.
Molecular consequence: missense variant.
Genome position (GRCh38, 1-based): chr1:237,355,965, C>A. VCF-style: chr1-237355965-C-A. GRCh37 (hg19) VCF-style: chr1-237519265-C-A.
Other names: short protein forms Q92K.
Identifiers: ClinVar variation 3699311 (VCV003699311.2).